The following is an entry in ClinVar:

ClinVar aggregate classification (germline): Pathogenic/Likely pathogenic. Review status: criteria provided, multiple submitters, no conflicts (2 of 4 stars). 2 submissions from 2 submitters: Pathogenic (1); Likely pathogenic (1). Last evaluated 2025-02-20.

Conditions:
TNFRSF13B-related disorder. Also called: TNFRSF13B-related condition.
Immunodeficiency, common variable, 2 (CVID2). Also called: HYPOGAMMAGLOBULINEMIA DUE TO TACI DEFICIENCY; ANTIBODY DEFICIENCY DUE TO TACI DEFECT. Identifiers: Orphanet 1572, MedGen C3150354, MONDO:0009413, OMIM 240500.

Allele frequency attached by ClinVar (database versions not stated): gnomAD exomes 0.00001 and 0.00002; ExAC 0.00002; gnomAD 0.00002; TOPMed 0.00002.
gnomAD v4.1: 11 of 1,614,088 alleles (0.00068%); highest among the groups gnomAD compares: Admixed American, 0.0033%; no homozygotes.

Submissions (2):

Labcorp Genetics (formerly Invitae), Labcorp
Classification: Pathogenic for Immunodeficiency, common variable, 2. Last evaluated: 2025-02-20. Review status: criteria provided, single submitter. Criteria: Invitae Variant Classification Sherloc (09022015). Collection method: clinical testing. Allele origin: germline.
Comment: This sequence change affects an acceptor splice site in intron 1 of the TNFRSF13B gene. It is expected to disrupt RNA splicing. Variants that disrupt the donor or acceptor splice site typically lead to a loss of protein function (PMID: 16199547), and loss-of-function variants in TNFRSF13B are known to be pathogenic (PMID: 16007087, 27123465). This variant is present in population databases (rs759649059, gnomAD 0.007%). Disruption of this splice site has been observed in individual(s) with common variable immunodeficiency (CVID) (internal data). In at least one individual the data is consistent with being in trans (on the opposite chromosome) from a pathogenic variant. ClinVar contains an entry for this variant (Variation ID: 853184). Algorithms developed to predict the effect of sequence changes on RNA splicing suggest that this variant may disrupt the consensus splice site. For these reasons, this variant has been classified as Pathogenic.

Blueprint Genetics
Classification: Likely pathogenic for TNFRSF13B-related disorders. Last evaluated: 2023-08-16. Review status: criteria provided, single submitter. Criteria: ACMG Guidelines, 2015. Collection method: clinical testing. Allele origin: germline. Affected: yes. Observed: 2 variant alleles.

Literature cited by the submitters: PubMed 16199547 (cited by Labcorp Genetics (formerly Invitae), Labcorp); PubMed 16007087 (cited by Labcorp Genetics (formerly Invitae), Labcorp); PubMed 27123465 (cited by Labcorp Genetics (formerly Invitae), Labcorp).

NM_012452.3(TNFRSF13B):c.62-1G>A

Gene: TNFRSF13B (TNF receptor superfamily member 13B; minus strand). Cytogenetic location: 17p11.2.
Variant type: single nucleotide variant.
Coding change: c.62-1G>A on transcript NM_012452.3 (MANE Select); the canonical splice acceptor site of the intron before coding-DNA position 62, G replaced by A.
Molecular consequence: splice acceptor variant.
Genome position (GRCh38, 1-based): chr17:16,952,584, C>T on the plus strand (G>A on the coding strand, the complement: TNFRSF13B is on the minus strand). VCF-style: chr17-16952584-C-T. GRCh37 (hg19) VCF-style: chr17-16855898-C-T.
Identifiers: ClinVar variation 853184 (VCV000853184.8), dbSNP rs759649059, ClinGen allele CA8414129.